The following is an entry in ClinVar:

NM_003803.4(MYOM1):c.2602A>G (p.Thr868Ala)

Gene: MYOM1 (myomesin 1; minus strand). Cytogenetic location: 18p11.31.
Variant type: single nucleotide variant.
Coding change: c.2602A>G on transcript NM_003803.4 (MANE Select); coding-DNA position 2602, A replaced by G.
Protein change: p.Thr868Ala; replaces threonine 868 with alanine.
Molecular consequence: missense variant. On other transcripts: intron variant (1).
Genome position (GRCh38, 1-based): chr18:3,129,424, T>C on the plus strand (A>G on the coding strand, the complement: MYOM1 is on the minus strand). VCF-style: chr18-3129424-T-C. GRCh37 (hg19) VCF-style: chr18-3129422-T-C.
Other names: c.2506+1951A>G (NM_019856.2); short protein forms T868A.
Identifiers: ClinVar variation 4115984 (VCV004115984.1).

ClinVar aggregate classification (germline): Uncertain significance (1 of 4 stars; one submission).

Submission:

Ambry Genetics
Classification: Uncertain significance. Last evaluated: 2025-08-28. Review status: criteria provided, single submitter. Criteria: Ambry Variant Classification Scheme 2023. Collection method: clinical testing. Allele origin: germline.
Comment: The p.T868A variant (also known as c.2602A>G), located in coding exon 17 of the MYOM1 gene, results from an A to G substitution at nucleotide position 2602. The threonine at codon 868 is replaced by alanine, an amino acid with similar properties. This amino acid position is conserved. In addition, this alteration is predicted to be tolerated by in silico analysis. Based on the available evidence, the clinical significance of this variant remains unclear.